The following is an entry in ClinVar:

ClinVar aggregate classification (germline): Conflicting classifications of pathogenicity. Review status: criteria provided, conflicting classifications (1 of 4 stars). 2 submissions from 2 submitters: Uncertain significance (1); Likely benign (1). Last evaluated 2023-03-23.

Conditions:
Hereditary cancer-predisposing syndrome. Also called: Neoplastic Syndromes, Hereditary; Hereditary Cancer Syndrome; Hereditary neoplastic syndrome; Tumor predisposition. Identifiers: Orphanet 140162, MedGen C0027672, MeSH D009386, MONDO:0015356.

Submissions (2):

University of Washington Department of Laboratory Medicine, University of Washington
Classification: Likely benign for Hereditary cancer-predisposing syndrome. Last evaluated: 2023-03-23. Review status: criteria provided, single submitter. Criteria: Dines et al. (Genet Med. 2020). Collection method: curation. Allele origin: germline.
Comment: Missense variant in a coldspot region where missense variants are very unlikely to be pathogenic (PMID:31911673).

BRCA2 exon 11 coldspot. Reclassification based on statistical prior probability.

Women's Health and Genetics/Laboratory Corporation of America, LabCorp
Classification: Uncertain significance. Last evaluated: 2020-06-26. Review status: criteria provided, single submitter. Criteria: LabCorp Variant Classification Summary - May 2015. Collection method: clinical testing. Allele origin: germline.
Comment: Variant summary: BRCA2 c.4727T>C (p.Leu1576Pro) results in a non-conservative amino acid change in the encoded protein sequence. Three of five in-silico tools predict a benign effect of the variant on protein function. The variant was absent in 251074 control chromosomes. The available data on variant occurrences in the general population are insufficient to allow any conclusion about variant significance. To our knowledge, no occurrence of c.4727T>C in individuals affected with Hereditary Breast And Ovarian Cancer Syndrome and no experimental evidence demonstrating its impact on protein function have been reported. No clinical diagnostic laboratories have submitted clinical-significance assessments for this variant to ClinVar after 2014. Based on the evidence outlined above, the variant was classified as uncertain significance.

NM_000059.4(BRCA2):c.4727T>C (p.Leu1576Pro)

Gene: BRCA2 (BRCA2 DNA repair associated; plus strand). Cytogenetic location: 13q13.1.
Variant type: single nucleotide variant.
Coding change: c.4727T>C on transcript NM_000059.4 (MANE Select); coding-DNA position 4727, T replaced by C.
Protein change: p.Leu1576Pro; replaces leucine 1576 with proline.
Molecular consequence: missense variant.
Genome position (GRCh38, 1-based): chr13:32,339,082, T>C. VCF-style: chr13-32339082-T-C. GRCh37 (hg19) VCF-style: chr13-32913219-T-C.
Other names: short protein forms L1576P.
Identifiers: ClinVar variation 933212 (VCV000933212.3), dbSNP rs2072511723, ClinGen allele CA387783001.